The following is an entry in ClinVar:

NM_001130144.3(LTBP3):c.3359A>G (p.Asp1120Gly)

Genes: LTBP3 (latent transforming growth factor beta binding protein 3; minus strand), LOC130006027 (ATAC-STARR-seq lymphoblastoid silent region 3530; plus strand). Cytogenetic location: 11q13.1.
Variant type: single nucleotide variant.
Coding change: c.3359A>G on transcript NM_001130144.3 (MANE Select); coding-DNA position 3359, A replaced by G.
Protein change: p.Asp1120Gly; replaces aspartic acid 1120 with glycine.
Molecular consequence: missense variant. On other transcripts: intron variant (2).
Genome position (GRCh38, 1-based): chr11:65,540,039, T>C on the plus strand (A>G on the coding strand, the complement: LTBP3 is on the minus strand). VCF-style: chr11-65540039-T-C. GRCh37 (hg19) VCF-style: chr11-65307510-T-C.
Other names: c.2894-158A>G (NM_001164266.1); c.3245-158A>G (NM_021070.4); short protein forms D1120G.
Identifiers: ClinVar variation 4811150 (VCV004811150.1).

ClinVar aggregate classification (germline): Uncertain significance (1 of 4 stars; one submission).

Conditions:
Brachyolmia-amelogenesis imperfecta syndrome. Also called: PLATYSPONDYLY WITH AMELOGENESIS IMPERFECTA; Tooth agenesis, selective, 6; Dental anomalies and short stature. Identifiers: Orphanet 2899, MedGen C1832594, MONDO:0011018, OMIM 601216. Disease mechanism: loss of function.

gnomAD v4.1: 1 of 1,514,600 alleles (0.000066%); highest among the groups gnomAD compares: Non-Finnish European, 0.000088%; no homozygotes.

Submission:

Labcorp Genetics (formerly Invitae), Labcorp
Classification: Uncertain significance for Brachyolmia-amelogenesis imperfecta syndrome. Last evaluated: 2025-09-03. Review status: criteria provided, single submitter. Criteria: Invitae Variant Classification Sherloc (09022015). Collection method: clinical testing. Allele origin: germline.
Comment: This sequence change replaces aspartic acid, which is acidic and polar, with glycine, which is neutral and non-polar, at codon 1120 of the LTBP3 protein (p.Asp1120Gly). This variant is not present in population databases (gnomAD no frequency). This variant has not been reported in the literature in individuals affected with LTBP3-related conditions. An algorithm developed to predict the effect of missense changes on protein structure and function outputs the following: PolyPhen-2: "Possibly Damaging". The glycine amino acid residue is found in multiple mammalian species, which suggests that this missense change does not adversely affect protein function. In summary, the available evidence is currently insufficient to determine the role of this variant in disease. Therefore, it has been classified as a Variant of Uncertain Significance.